The following is an entry in ClinVar:

NM_032271.3(TRAF7):c.231G>C (p.Met77Ile)

Gene: TRAF7 (TNF receptor associated factor 7; plus strand). Cytogenetic location: 16p13.3.
Variant type: single nucleotide variant.
Coding change: c.231G>C on transcript NM_032271.3 (MANE Select); coding-DNA position 231, G replaced by C.
Protein change: p.Met77Ile; replaces methionine 77 with isoleucine.
Molecular consequence: missense variant.
Genome position (GRCh38, 1-based): chr16:2,168,168, G>C. VCF-style: chr16-2168168-G-C. GRCh37 (hg19) VCF-style: chr16-2218169-G-C.
Other names: short protein forms M77I.
Identifiers: ClinVar variation 4883288 (VCV004883288.2).

ClinVar aggregate classification (germline): Uncertain significance (1 of 4 stars; one submission).

Conditions:
Cardiac, facial, and digital anomalies with developmental delay. Identifiers: Orphanet 592570, MedGen C4748484, MONDO:0032572, OMIM 618164.

Submission:

Dasa
Classification: Uncertain significance for Cardiac, facial, and digital anomalies with developmental delay. Last evaluated: 2025-06-28. Review status: criteria provided, single submitter. Criteria: DASA Assertion Criteria. Collection method: clinical testing. Allele origin: germline.
Comment: NM_032271.3(TRAF7):c.231G>C (p.Met77Ile) is a missense variant that results in the substitution of methionine with isoleucine. This variant is absent from population databases. Computational prediction algorithms are consistent with a benign effect. The currently available literature and clinical evidence are not sufficient to establish a definitive association between this variant and the reported condition. Therefore, this variant is classified as a variant of uncertain significance.